The following is an entry in ClinVar:

NM_002225.5(IVD):c.433C>T (p.Gln145Ter)

Gene: IVD (isovaleryl-CoA dehydrogenase; plus strand). Cytogenetic location: 15q15.1.
Variant type: single nucleotide variant.
Coding change: c.433C>T on transcript NM_002225.5 (MANE Select); coding-DNA position 433, C replaced by T.
Protein change: p.Gln145Ter; replaces glutamine 145 with a stop codon.
Molecular consequence: nonsense. On other transcripts: non-coding transcript variant (1).
Genome position (GRCh38, 1-based): chr15:40,410,774, C>T. VCF-style: chr15-40410774-C-T. GRCh37 (hg19) VCF-style: chr15-40702973-C-T.
Other names: c.343C>T, p.Gln115Ter (NM_001159508.3); c.385C>T, p.Gln129Ter (NM_001354597.3); c.433C>T, p.Gln145Ter (NM_001354598.3, NM_001354601.3); c.520C>T, p.Gln174Ter (NM_001354599.3, NM_001354600.3); short protein forms Q115*, Q129*, Q145*, Q174*.
Identifiers: ClinVar variation 1726051 (VCV001726051.3), dbSNP rs2542681353, ClinGen allele CA391716737.

ClinVar aggregate classification (germline): Likely pathogenic. Review status: criteria provided, multiple submitters, no conflicts (2 of 4 stars). 2 submissions from 2 submitters: Likely pathogenic (2). Last evaluated 2023-08-17.

Conditions:
Isovaleryl-CoA dehydrogenase deficiency (IVA). Also called: ISOVALERIC ACID CoA DEHYDROGENASE DEFICIENCY; Classic Isovaleric Acidemia; Isovaleric acidemia; IVD DEFICIENCY. Identifiers: Orphanet 33, MedGen C0268575, MONDO:0009475, OMIM 243500.

Submissions (2):

Baylor Genetics
Classification: Likely pathogenic for Isovaleryl-CoA dehydrogenase deficiency. Last evaluated: 2023-08-17. Review status: criteria provided, single submitter. Criteria: ACMG Guidelines, 2015. Collection method: clinical testing. Allele origin: unknown.

Myriad Genetics, Inc.
Classification: Likely pathogenic for Isovaleryl-CoA dehydrogenase deficiency. Last evaluated: 2022-05-13. Review status: criteria provided, single submitter. Criteria: Myriad Women's Health Autosomal Recessive and X-Linked Classification Criteria (2021). Collection method: clinical testing. Allele origin: unknown.
Comment: NM_002225.3(IVD):c.442C>T(Q148*) is expected to be pathogenic in the context of isovaleric acidemia. This variant is predicted to lead to an abnormal or absent protein product due to the creation of a premature termination codon in IVD, a gene where loss-of-function variants are known to be pathogenic. Please note: this variant was assessed in the context of healthy population screening.